The following is an entry in ClinVar:

ClinVar aggregate classification (germline): Uncertain significance (1 of 4 stars; one submission).

Conditions:
Neuropathy, hereditary sensory, type 2C. Also called: KIF1A-Related HSAN2 (HSAN2C); Hereditary sensory and autonomic neuropathy type IIC. Identifiers: Orphanet 970, MedGen C3280168, MONDO:0013634, OMIM 614213.
Hereditary spastic paraplegia 30. Identifiers: Orphanet 101010, MedGen C5235139, MONDO:0012476.
Intellectual disability, autosomal dominant 9 (NESCAVS). Also called: KIF1A-Related Neurodevelopmental Disorder; NESCAV SYNDROME. Identifiers: Orphanet 662367, MedGen C5393830, MONDO:0013656, OMIM 614255.

Submission:

Labcorp Genetics (formerly Invitae), Labcorp
Classification: Uncertain significance for Hereditary spastic paraplegia 30; Neuropathy, hereditary sensory, type 2C; Intellectual disability, autosomal dominant 9. Last evaluated: 2024-11-18. Review status: criteria provided, single submitter. Criteria: Invitae Variant Classification Sherloc (09022015). Collection method: clinical testing. Allele origin: germline.
Comment: This sequence change replaces alanine, which is neutral and non-polar, with valine, which is neutral and non-polar, at codon 1014 of the KIF1A protein (p.Ala1014Val). This variant is not present in population databases (gnomAD no frequency). This variant has not been reported in the literature in individuals affected with KIF1A-related conditions. Invitae Evidence Modeling of protein sequence and biophysical properties (such as structural, functional, and spatial information, amino acid conservation, physicochemical variation, residue mobility, and thermodynamic stability) indicates that this missense variant is not expected to disrupt KIF1A protein function with a negative predictive value of 95%. In summary, the available evidence is currently insufficient to determine the role of this variant in disease. Therefore, it has been classified as a Variant of Uncertain Significance.

NM_001244008.2(KIF1A):c.3344C>T (p.Ala1115Val)

Gene: KIF1A (kinesin family member 1A; minus strand). Cytogenetic location: 2q37.3.
Variant type: single nucleotide variant.
Coding change: c.3344C>T on transcript NM_001244008.2 (MANE Select); coding-DNA position 3344, C replaced by T.
Protein change: p.Ala1115Val; replaces alanine 1115 with valine.
Molecular consequence: missense variant.
Genome position (GRCh38, 1-based): chr2:240,745,768, G>A on the plus strand (C>T on the coding strand, the complement: KIF1A is on the minus strand). VCF-style: chr2-240745768-G-A. GRCh37 (hg19) VCF-style: chr2-241685185-G-A.
Other names: c.3068C>T, p.Ala1023Val (NM_001320705.2, NM_001330289.2, NM_001379638.1); c.3143C>T, p.Ala1048Val (NM_001330290.2, NM_001379634.1, NM_001379635.1 and 1 more transcripts); c.3419C>T, p.Ala1140Val (NM_001379631.1); c.3293C>T, p.Ala1098Val (NM_001379632.1); c.3317C>T, p.Ala1106Val (NM_001379633.1, NM_001379642.1, NM_001379645.1); c.3041C>T, p.Ala1014Val (NM_001379636.1, NM_001379639.1, NM_001379641.1 and 5 more transcripts); c.3116C>T, p.Ala1039Val (NM_001379637.1, NM_001379648.1); c.3038C>T, p.Ala1013Val (NM_001379640.1); short protein forms A1013V, A1014V, A1023V, A1039V, A1048V, A1098V, A1106V, A1115V.
Identifiers: ClinVar variation 3753702 (VCV003753702.2).